The following is an entry in ClinVar:

NM_021625.5(TRPV4):c.1489A>C (p.Thr497Pro)

Gene: TRPV4 (transient receptor potential cation channel subfamily V member 4; minus strand). Cytogenetic location: 12q24.11.
Variant type: single nucleotide variant.
Coding change: c.1489A>C on transcript NM_021625.5 (MANE Select); coding-DNA position 1489, A replaced by C.
Protein change: p.Thr497Pro; replaces threonine 497 with proline.
Molecular consequence: missense variant.
Genome position (GRCh38, 1-based): chr12:109,794,331, T>G on the plus strand (A>C on the coding strand, the complement: TRPV4 is on the minus strand). VCF-style: chr12-109794331-T-G. GRCh37 (hg19) VCF-style: chr12-110232136-T-G.
Other names: c.1348A>C, p.Thr450Pro (NM_001177428.2); c.1387A>C, p.Thr463Pro (NM_001177431.2); c.1168A>C, p.Thr390Pro (NM_001177433.2); c.1309A>C, p.Thr437Pro (NM_147204.3); short protein forms T463P, T497P, T390P, T450P, T437P.
Identifiers: ClinVar variation 3690035 (VCV003690035.2).

ClinVar aggregate classification (germline): Uncertain significance (1 of 4 stars; one submission).

Conditions:
Charcot-Marie-Tooth disease axonal type 2C (HMSN2C). Also called: CHARCOT-MARIE-TOOTH DISEASE, AXONAL, AUTOSOMAL DOMINANT, TYPE 2C; Charcot-Marie-Tooth Neuropathy Type 2C; Charcot-Marie-Tooth Disease Type 2, TRPV4-Related (CMT2C). Identifiers: Orphanet 99937, MedGen C1853710, MONDO:0011633, OMIM 606071.

Submission:

Labcorp Genetics (formerly Invitae), Labcorp
Classification: Uncertain significance for Charcot-Marie-Tooth disease axonal type 2C. Last evaluated: 2024-08-27. Review status: criteria provided, single submitter. Criteria: Invitae Variant Classification Sherloc (09022015). Collection method: clinical testing. Allele origin: germline.
Comment: This sequence change replaces threonine, which is neutral and polar, with proline, which is neutral and non-polar, at codon 497 of the TRPV4 protein (p.Thr497Pro). This variant is not present in population databases (gnomAD no frequency). This variant has not been reported in the literature in individuals affected with TRPV4-related conditions. An algorithm developed to predict the effect of missense changes on protein structure and function (PolyPhen-2) suggests that this variant is likely to be tolerated. In summary, the available evidence is currently insufficient to determine the role of this variant in disease. Therefore, it has been classified as a Variant of Uncertain Significance.